The following is an entry in ClinVar:

NM_019590.5(KIAA1217):c.4341C>T (p.Phe1447=)

Gene: KIAA1217 (KIAA1217; plus strand). Cytogenetic location: 10p12.1.
Variant type: single nucleotide variant.
Coding change: c.4341C>T on transcript NM_019590.5 (MANE Select); coding-DNA position 4341, C replaced by T.
Protein change: p.Phe1447=; no amino-acid change (phenylalanine 1447 retained).
Molecular consequence: synonymous variant. On other transcripts: intron variant (6).
Genome position (GRCh38, 1-based): chr10:24,543,611, C>T. VCF-style: chr10-24543611-C-T. GRCh37 (hg19) VCF-style: chr10-24832540-C-T.
Other names: c.3175-1370C>T (NM_001098500.3); c.3430-1370C>T (NM_001282768.2); c.3504+841C>T (NM_001282767.2); c.2566-1370C>T (NM_001321681.2); c.2661+841C>T (NM_001282769.2); c.2464-1370C>T (NM_001282770.2).
Identifiers: ClinVar variation 2640349 (VCV002640349.24), dbSNP rs140457046, ClinGen allele CA5440325.
Genomic context (GRCh38, chr10:24,543,611, plus strand): 5'-AGGGACTGACAATGAGGATCCAGTCGTGTGCCTGGACAAGAAACCAGTGATCATCATTTT[C>T]GATGAGCCCATGGACATCCGGTCTGCCTATAAGAGACTTTCAACTATCTTTGAGGAATGT-3'
Protein context (NP_062536.2, residues 1437-1457): CLDKKPVIII[Phe1447=]DEPMDIRSAY

ClinVar aggregate classification (germline): Likely benign (1 of 4 stars; one submission).

Allele frequency attached by ClinVar (database versions not stated): TOPMed 0.00098; gnomAD 0.00106; ExAC 0.00114; ESP Exome Variant Server 0.00146; gnomAD exomes 0.00163.
gnomAD v4.1: 2,509 of 1,613,942 alleles (0.16%); highest among the groups gnomAD compares: Non-Finnish European, 0.2%; 2 homozygotes.

Submission:

CeGaT Center for Human Genetics Tuebingen
Classification: Likely benign. Last evaluated: 2022-07-01. Review status: criteria provided, single submitter. Criteria: CeGaT Center For Human Genetics Tuebingen Variant Classification Criteria Version 2. Collection method: clinical testing. Allele origin: germline. Affected: yes. Observed: 1 variant allele.
Comment: KIAA1217: BP4, BP7